The following is an entry in ClinVar:

NM_000355.4(TCN2):c.737C>T (p.Thr246Ile)

Gene: TCN2 (transcobalamin 2; plus strand). Cytogenetic location: 22q12.2.
Variant type: single nucleotide variant.
Coding change: c.737C>T on transcript NM_000355.4 (MANE Select); coding-DNA position 737, C replaced by T.
Protein change: p.Thr246Ile; replaces threonine 246 with isoleucine.
Molecular consequence: missense variant.
Genome position (GRCh38, 1-based): chr22:30,615,457, C>T. VCF-style: chr22-30615457-C-T. GRCh37 (hg19) VCF-style: chr22-31011444-C-T.
Other names: c.656C>T, p.Thr219Ile (NM_001184726.2); short protein forms T246I, T219I.
Identifiers: ClinVar variation 570313 (VCV000570313.9), dbSNP rs147738100, ClinGen allele CA10184794.

ClinVar aggregate classification (germline): Uncertain significance. Review status: criteria provided, multiple submitters, no conflicts (2 of 4 stars). 2 submissions from 2 submitters: Uncertain significance (2). Last evaluated 2025-03-16.

Conditions:
Inborn genetic diseases. Identifiers: MedGen C0950123, MeSH D030342.
Transcobalamin II deficiency (TCN2D). Also called: TC II DEFICIENCY; TCN2 DEFICIENCY; Transcolabamin II deficiency. Identifiers: Orphanet 859, MedGen C0342701, MONDO:0010149, OMIM 275350.

Allele frequency attached by ClinVar (database versions not stated): gnomAD exomes 0.00002; ExAC 0.00003; gnomAD 0.00003 and 0.00004; TOPMed 0.00003; ESP Exome Variant Server 0.00008.
gnomAD v4.1: 47 of 1,614,030 alleles (0.0029%); highest among the groups gnomAD compares: Admixed American, 0.0067%; no homozygotes.

Submissions (2):

Ambry Genetics
Classification: Uncertain significance for Inborn genetic diseases. Last evaluated: 2025-03-16. Review status: criteria provided, single submitter. Criteria: Ambry Variant Classification Scheme 2023. Collection method: clinical testing. Allele origin: germline.

Labcorp Genetics (formerly Invitae), Labcorp
Classification: Uncertain significance for Transcobalamin II deficiency. Last evaluated: 2022-08-21. Review status: criteria provided, single submitter. Criteria: Invitae Variant Classification Sherloc (09022015). Collection method: clinical testing. Allele origin: germline.
Comment: This sequence change replaces threonine, which is neutral and polar, with isoleucine, which is neutral and non-polar, at codon 246 of the TCN2 protein (p.Thr246Ile). This variant is present in population databases (rs147738100, gnomAD 0.006%). This variant has not been reported in the literature in individuals affected with TCN2-related conditions. ClinVar contains an entry for this variant (Variation ID: 570313). Algorithms developed to predict the effect of missense changes on protein structure and function (SIFT, PolyPhen-2, Align-GVGD) all suggest that this variant is likely to be disruptive. In summary, the available evidence is currently insufficient to determine the role of this variant in disease. Therefore, it has been classified as a Variant of Uncertain Significance.